The following is an entry in ClinVar:

NM_172107.4(KCNQ2):c.1424_1433del (p.Asp475fs)

Gene: KCNQ2 (potassium voltage-gated channel subfamily Q member 2; minus strand). Cytogenetic location: 20q13.33.
Variant type: Deletion.
Coding change: c.1424_1433del on transcript NM_172107.4 (MANE Select); coding-DNA positions 1424 to 1433, 10 bases deleted (ACAGCCCCAG; older notation c.1424_1433delACAGCCCCAG).
Protein change: p.Asp475fs; shifts the reading frame from aspartic acid 475.
Molecular consequence: frameshift variant.
Genome position (GRCh38, 1-based): chr20:63,414,995-63,415,004, CTGGGGCTGT deleted on the plus strand (ACAGCCCCAG on the coding strand, the reverse complement: KCNQ2 is on the minus strand); deleting any 10 consecutive bases within chr20:63,414,995-63,415,005 gives the same sequence; the c. name uses the placement nearest the transcript's 3' end. VCF-style (leftmost placement, unchanged base first): chr20-63414994-GCTGGGGCTGT-G. GRCh37 (hg19) VCF-style: chr20-62046347-GCTGGGGCTGT-G.
Other names: c.1340_1349del, p.Asp447fs (NM_004518.6); c.1370_1379del, p.Asp457fs (NM_172106.3); c.1334_1343del, p.Asp445fs (NM_172108.5); c.1424_1433del (NM_172107.2); short protein forms D445fs, D447fs, D457fs, D475fs.
Identifiers: ClinVar variation 658549 (VCV000658549.9), dbSNP rs1601573302, ClinGen allele CA915952968.

ClinVar aggregate classification (germline): Pathogenic (1 of 4 stars; one submission).

Conditions:
Early-infantile DEE. Also called: Early infantile epileptic encephalopathy; Ohtahara syndrome; Early infantile epileptic encephalopathy with suppression bursts. Identifiers: Orphanet 1934, MedGen C0393706, MONDO:0800491.

Submission:

Labcorp Genetics (formerly Invitae), Labcorp
Classification: Pathogenic for Early-infantile DEE. Last evaluated: 2019-01-12. Review status: criteria provided, single submitter. Criteria: Invitae Variant Classification Sherloc (09022015). Collection method: clinical testing. Allele origin: germline.
Comment: For these reasons, this variant has been classified as Pathogenic. Loss-of-function variants in KCNQ2 are known to be pathogenic (PMID: 14534157, 23692823, 25951140, 25959266, 26758118, 27779742). This variant has not been reported in the literature in individuals with KCNQ2-related conditions. This variant is not present in population databases (ExAC no frequency). This sequence change creates a premature translational stop signal (p.Asp475Alafs*51) in the KCNQ2 gene. It is expected to result in an absent or disrupted protein product.

Literature cited by the submitters: PubMed 14534157; PubMed 23692823; PubMed 25951140; PubMed 25959266; PubMed 26758118; PubMed 27779742.